The following is an entry in ClinVar:

NM_001127511.3(APC):c.-133_-131delinsGTC

Gene: APC (APC regulator of Wnt signaling pathway; plus strand). Cytogenetic location: 5q22.2.
Variant type: Indel.
Coding change: c.-133_-131delinsGTC on transcript NM_001127511.3; 133 bases upstream of the start codon through 131 bases upstream of the start codon, CGG replaced by GTC.
Molecular consequence: 5 prime UTR variant. On other transcripts: non-coding transcript variant (2).
Genome position (GRCh38, 1-based): chr5:112,707,585-112,707,587, CGG replaced by GTC. VCF-style: chr5-112707585-CGG-GTC. GRCh37 (hg19) VCF-style: chr5-112043282-CGG-GTC.
Other names: c.-316_-314delinsGTC (NM_001354895.2, NM_001407447.1, NM_001407452.1 and 3 more transcripts); c.-133_-131delinsGTC (NM_001354897.2, NM_001354902.2, NM_001407446.1); c.-83_-81delinsGTC (NM_001407448.1, NM_001407450.1, NM_001407457.1 and 1 more transcripts); c.-107_-105delinsGTC (NM_001407453.1); c.-1351_-1349delinsGTC (NM_001407470.1, NM_001407472.1).
Identifiers: ClinVar variation 1062593 (VCV001062593.45), dbSNP rs2149629576, ClinGen allele CA2499217393.

ClinVar aggregate classification (germline): Uncertain significance (1 of 4 stars; one submission).

Conditions:
Familial adenomatous polyposis 1 (FAP1). Also called: FAMILIAL ADENOMATOUS POLYPOSIS 1, ATTENUATED; POLYPOSIS, ADENOMATOUS INTESTINAL. Identifiers: MedGen C2713442, MONDO:0021056, OMIM 175100. Disease mechanism: loss of function.

Submission:

Labcorp Genetics (formerly Invitae), Labcorp
Classification: Uncertain significance for Familial adenomatous polyposis 1. Last evaluated: 2025-06-10. Review status: criteria provided, single submitter. Criteria: Invitae Variant Classification Sherloc (09022015). Collection method: clinical testing. Allele origin: germline.
Comment: This variant occurs in a non-coding region of the APC gene. It does not change the encoded amino acid sequence of the APC protein. Information on the frequency of this variant in the gnomAD database is not available, as this variant may be reported differently in the database. This variant has not been reported in the literature in individuals affected with APC-related conditions. Experimental studies and prediction algorithms are not available or were not evaluated, and the functional significance of this variant is currently unknown. In summary, the available evidence is currently insufficient to determine the role of this variant in disease. Therefore, it has been classified as a Variant of Uncertain Significance.